The following is an entry in ClinVar:

ClinVar aggregate classification (germline): Uncertain significance (1 of 4 stars; one submission).

Conditions:
Hereditary cancer-predisposing syndrome. Also called: Tumor predisposition; Hereditary Cancer Syndrome; Neoplastic Syndromes, Hereditary; Hereditary neoplastic syndrome. Identifiers: Orphanet 140162, MedGen C0027672, MeSH D009386, MONDO:0015356.

Submission:

Ambry Genetics
Classification: Uncertain significance for Hereditary cancer-predisposing syndrome. Last evaluated: 2020-08-20. Review status: criteria provided, single submitter. Criteria: Ambry Variant Classification Scheme 2023. Collection method: clinical testing. Allele origin: germline.
Comment: The p.E940K variant (also known as c.2818G>A), located in coding exon 8 of the PALB2 gene, results from a G to A substitution at nucleotide position 2818. The glutamic acid at codon 940 is replaced by lysine, an amino acid with similar properties. This amino acid position is highly conserved in available vertebrate species. In addition, the in silico prediction for this alteration is inconclusive. Since supporting evidence is limited at this time, the clinical significance of this alteration remains unclear.

NM_024675.4(PALB2):c.2818G>A (p.Glu940Lys)

Gene: PALB2 (partner and localizer of BRCA2; minus strand). Cytogenetic location: 16p12.2.
Variant type: single nucleotide variant.
Coding change: c.2818G>A on transcript NM_024675.4 (MANE Select); coding-DNA position 2818, G replaced by A.
Protein change: p.Glu940Lys; replaces glutamic acid 940 with lysine.
Molecular consequence: missense variant.
Genome position (GRCh38, 1-based): chr16:23,624,025, C>T on the plus strand (G>A on the coding strand, the complement: PALB2 is on the minus strand). VCF-style: chr16-23624025-C-T. GRCh37 (hg19) VCF-style: chr16-23635346-C-T.
Other names: c.2758G>A, p.Glu920Lys (NM_001407296.1); c.2746G>A, p.Glu916Lys (NM_001407297.1); c.2656G>A, p.Glu886Lys (NM_001407298.1, NM_001407302.1); c.2818G>A, p.Glu940Lys (NM_001407299.1, NM_001407300.1, NM_001407301.1); c.1933G>A, p.Glu645Lys (NM_001407304.1, NM_001407305.1, NM_001407306.1 and 4 more transcripts); c.1771G>A, p.Glu591Lys (NM_001407307.1); c.1030G>A, p.Glu344Lys (NM_001407312.1, NM_001407313.1); c.352G>A, p.Glu118Lys (NM_001407314.1); short protein forms E886K, E920K, E591K, E940K, E118K, E344K, E645K, E916K.
Identifiers: ClinVar variation 1796397 (VCV001796397.2), dbSNP rs2142342958, ClinGen allele CA395144865.